The following is an entry in ClinVar:

NM_000543.5(SMPD1):c.842_849dup (p.His284fs)

Gene: SMPD1 (sphingomyelin phosphodiesterase 1; plus strand). Cytogenetic location: 11p15.4.
Variant type: Duplication.
Coding change: c.842_849dup on transcript NM_000543.5 (MANE Select); coding-DNA positions 842 to 849, 8 bases duplicated (TCCCCGCA; older notation c.842_849dupTCCCCGCA).
Protein change: p.His284fs; shifts the reading frame from histidine 284.
Molecular consequence: frameshift variant. On other transcripts: 5 prime UTR variant (1), non-coding transcript variant (1).
Genome position (GRCh38, 1-based): chr11:6,391,907-6,391,914, TCCCCGCA duplicated; duplicating any 8 consecutive bases within chr11:6,391,905-6,391,914 gives the same sequence; the c. name uses the placement nearest the transcript's 3' end. VCF-style (leftmost placement, unchanged base first): chr11-6391904-A-ACATCCCCG. GRCh37 (hg19) VCF-style: chr11-6413134-A-ACATCCCCG.
Other names: c.839_846dup, p.His283fs (NM_001007593.3); c.842_849dup, p.His284fs (NM_001318087.2, NM_001365135.2); c.-120_-113dup (NM_001318088.2); short protein forms H283fs, H284fs.
Identifiers: ClinVar variation 93321 (VCV000093321.17), dbSNP rs281860677, ClinGen allele CA221153.

ClinVar aggregate classification (germline): Pathogenic/Likely pathogenic. Review status: criteria provided, multiple submitters, no conflicts (2 of 4 stars). 7 submissions from 7 submitters: Pathogenic (5); Likely pathogenic (1). 1 of the submissions does not count toward it. Last evaluated 2025-03-17.

Conditions:
Niemann-Pick disease, type A. Also called: SPHINGOMYELIN LIPIDOSIS; SPHINGOMYELINASE DEFICIENCY; Infantile Neurovisceral ASMD (Niemann-Pick Disease Type A; NPD-A). Identifiers: Orphanet 77292, MedGen C0268242, MONDO:0009756, OMIM 257200. Disease mechanism: loss of function.
Niemann-Pick disease, type B. Also called: Chronic Visceral ASMD (Niemann-Pick Disease Type B; NPD-B). Identifiers: Orphanet 77293, MedGen C0268243, MONDO:0011871, OMIM 607616. Disease mechanism: loss of function.

Submissions (7):

Natera, Inc.
Classification: Pathogenic for Niemann-Pick Disease, Types A/B. Last evaluated: 2025-03-17. Review status: criteria provided, single submitter. Criteria: Natera Variant Classification Schema (03/2026). Collection method: clinical testing. Allele origin: germline.
Comment: The c.842_849dupTCCCCGCA variant in SMPD1 is a frameshift variant predicted to shift the reading frame beginning at codon 284 and leads to a stop codon 18 codons downstream. This variant is expected to result in nonsense mediated decay, truncation, or a dysfunctional protein product. This variant is rare in the general population with a frequency below the threshold expected for the associated phenotype(s). This variant has been observed in one or more individuals affected with the associated recessive disease, as either homozygous or compound heterozygous with a second variant (PMID: 23356216). Given the available evidence, this variant is classified as Pathogenic.

Baylor Genetics
Classification: Pathogenic for Niemann-Pick disease, type A. Last evaluated: 2023-12-11. Review status: criteria provided, single submitter. Criteria: ACMG Guidelines, 2015. Collection method: clinical testing. Allele origin: unknown.

Labcorp Genetics (formerly Invitae), Labcorp
Classification: Pathogenic for Niemann-Pick disease, type B; Niemann-Pick disease, type A. Last evaluated: 2022-08-05. Review status: criteria provided, single submitter. Criteria: Invitae Variant Classification Sherloc (09022015). Collection method: clinical testing. Allele origin: germline.
Comment: This sequence change creates a premature translational stop signal (p.His284Serfs*18) in the SMPD1 gene. It is expected to result in an absent or disrupted protein product. Loss-of-function variants in SMPD1 are known to be pathogenic (PMID: 12369017, 15221801). For these reasons, this variant has been classified as Pathogenic. ClinVar contains an entry for this variant (Variation ID: 93321). This premature translational stop signal has been observed in individual(s) with Niemann-Pick disease (PMID: 23356216, 33675270). This variant is not present in population databases (gnomAD no frequency).

Women's Health and Genetics/Laboratory Corporation of America, LabCorp
Classification: Pathogenic for Niemann-Pick disease, type A. Last evaluated: 2022-03-21. Review status: criteria provided, single submitter. Criteria: LabCorp Variant Classification Summary - May 2015. Collection method: clinical testing. Allele origin: germline.
Comment: Variant summary: SMPD1 c.842_849dupTCCCCGCA (p.His284SerfsX18) results in a premature termination codon, predicted to cause a truncation of the encoded protein or absence of the protein due to nonsense mediated decay, which are commonly known mechanisms for disease. Truncations downstream of this position have been classified as pathogenic by our laboratory. The variant was absent in 251252 control chromosomes (gnomAD). c.842_849dupTCCCCGCA has been reported in the literature in 1 homozygote and 5 compound heterozygotes affected with Niemann-Pick Disease Type A (Zhang_2013). These data indicate that the variant is very likely to be associated with disease. To our knowledge, no experimental evidence demonstrating an impact on protein function has been reported. One ClinVar submitter has assessed the variant since 2014: the variant was classified as pathogenic. Based on the evidence outlined above, the variant was classified as pathogenic.

Eurofins Ntd Llc (ga)
Classification: Pathogenic. Last evaluated: 2013-03-26. Review status: criteria provided, single submitter. Criteria: EGL Classification Definitions. Collection method: clinical testing. Allele origin: germline. Observed: 1 variant allele, 1 heterozygote.

Juno Genomics, Hangzhou Juno Genomics, Inc
Classification: Likely pathogenic for Niemann-Pick disease, type A; Niemann-Pick disease, type B. Review status: criteria provided, single submitter. Criteria: ACMG Guidelines, 2015. Collection method: clinical testing. Allele origin: germline.
Comment: Null variant in a gene where loss of function (LOF) is a known mechanism of disease.;Absent from controls (or at extremely low frequency if recessive) in Genome Aggregation Database.

Counsyl
Classification: Pathogenic for Niemann-Pick disease, type A. Last evaluated: 2016-01-18. Review status: no assertion criteria provided. Collection method: clinical testing. Allele origin: unknown. Not counted in ClinVar's aggregate classification.

Literature cited by the submitters: PubMed 23356216 (cited by 4 submitters); PubMed 12369017 (cited by Labcorp Genetics (formerly Invitae), Labcorp); PubMed 15221801 (cited by Labcorp Genetics (formerly Invitae), Labcorp); PubMed 33675270 (cited by Labcorp Genetics (formerly Invitae), Labcorp and Women's Health and Genetics/Laboratory Corporation of America, LabCorp); PubMed 23757202 (cited by Eurofins Ntd Llc (ga)).